The following is an entry in ClinVar:

NM_015335.5(MED13L):c.5699G>A (p.Arg1900Gln)

Gene: MED13L (mediator complex subunit 13L; minus strand). Cytogenetic location: 12q24.21.
Variant type: single nucleotide variant.
Coding change: c.5699G>A on transcript NM_015335.5 (MANE Select); coding-DNA position 5699, G replaced by A.
Protein change: p.Arg1900Gln; replaces arginine 1900 with glutamine.
Molecular consequence: missense variant.
Genome position (GRCh38, 1-based): chr12:115,975,203, C>T on the plus strand (G>A on the coding strand, the complement: MED13L is on the minus strand). VCF-style: chr12-115975203-C-T. GRCh37 (hg19) VCF-style: chr12-116413008-C-T.
Other names: short protein forms R1900Q.
Identifiers: ClinVar variation 4846854 (VCV004846854.1).
Genomic context (GRCh38, chr12:115,975,203, plus strand): 5'-TGCAAATACTTCTTCAAAAATTTCTCACCTTTAAGCTCCCCATGGCCAAGACGCCCAAGT[C>T]GCCCGATTACAACTCTCCAGGGTAGAGATGTCATTTGGACAATCCCTATGCACCACTCCC-3'
Protein context (NP_056150.1, residues 1890-1910): TSLPWRVVIG[Arg1900Gln]LGRLGHGELK

ClinVar aggregate classification (germline): Uncertain significance (1 of 4 stars; one submission).

Conditions:
Cardiac anomalies - developmental delay - facial dysmorphism syndrome (MRFACD). Also called: MED13L Syndrome; Impaired intellectual development and distinctive facial features with or without cardiac defects. Identifiers: Orphanet 369891, MedGen C5192431, MONDO:0014773, OMIM 616789.

Submission:

Laboratorio de Genetica e Diagnostico Molecular, Hospital Israelita Albert Einstein
Classification: Uncertain significance for Cardiac anomalies - developmental delay - facial dysmorphism syndrome. Last evaluated: 2025-08-19. Review status: criteria provided, single submitter. Criteria: ACMG Guidelines, 2015. Collection method: clinical testing. Allele origin: germline. Affected: yes.
Comment: ACMG classification criteria: PM2 supporting, PP2 supporting, PP3 supporting